The following is an entry in ClinVar:

ClinVar aggregate classification (germline): Likely benign (0 of 4 stars; one submission).

Conditions:
SPEN-related disorder. Also called: SPEN-related condition.

Submission:

PreventionGenetics, part of Exact Sciences
Classification: Likely benign for SPEN-related condition. Last evaluated: 2019-08-15. Review status: no assertion criteria provided. Collection method: clinical testing. Allele origin: germline.
Comment: This variant is classified as likely benign based on ACMG/AMP sequence variant interpretation guidelines (Richards et al. 2015 PMID: 25741868, with internal and published modifications).

NM_015001.3(SPEN):c.10584T>C (p.Ser3528=)

Gene: SPEN (spen family transcriptional repressor; plus strand). Cytogenetic location: 1p36.13.
Variant type: single nucleotide variant.
Coding change: c.10584T>C on transcript NM_015001.3 (MANE Select); coding-DNA position 10584, T replaced by C.
Protein change: p.Ser3528=; no amino-acid change (serine 3528 retained).
Molecular consequence: synonymous variant.
Genome position (GRCh38, 1-based): chr1:15,937,886, T>C. VCF-style: chr1-15937886-T-C. GRCh37 (hg19) VCF-style: chr1-16264381-T-C.
Identifiers: ClinVar variation 3053874 (VCV003053874.2), dbSNP rs2523102495, ClinGen allele CA416384469.